The following is an entry in ClinVar:

ClinVar aggregate classification (germline): Uncertain significance (1 of 4 stars; one submission).

gnomAD v4.1: 1 of 1,614,008 alleles (0.000062%); highest among the groups gnomAD compares: Non-Finnish European, 0.000085%; no homozygotes.

Submission:

GeneDx
Classification: Uncertain significance. Last evaluated: 2023-06-21. Review status: criteria provided, single submitter. Criteria: GeneDx Variant Classification Process June 2021. Collection method: clinical testing. Allele origin: germline. Affected: yes.
Comment: Not observed at significant frequency in large population cohorts (gnomAD); In silico analysis supports that this missense variant has a deleterious effect on protein structure/function; Has not been previously published as pathogenic or benign to our knowledge

NM_000384.3(APOB):c.9760C>T (p.Pro3254Ser)

Gene: APOB (apolipoprotein B; minus strand). Cytogenetic location: 2p24.1.
Variant type: single nucleotide variant.
Coding change: c.9760C>T on transcript NM_000384.3 (MANE Select); coding-DNA position 9760, C replaced by T.
Protein change: p.Pro3254Ser; replaces proline 3254 with serine.
Molecular consequence: missense variant.
Genome position (GRCh38, 1-based): chr2:21,007,108, G>A on the plus strand (C>T on the coding strand, the complement: APOB is on the minus strand). VCF-style: chr2-21007108-G-A. GRCh37 (hg19) VCF-style: chr2-21229980-G-A.
Other names: short protein forms P3254S.
Identifiers: ClinVar variation 3360109 (VCV003360109.1).